The following is an entry in ClinVar:

ClinVar aggregate classification (germline): Likely benign (1 of 4 stars; one submission).

Submission:

CeGaT Center for Human Genetics Tuebingen
Classification: Likely benign. Last evaluated: 2025-08-01. Review status: criteria provided, single submitter. Criteria: CeGaT Center For Human Genetics Tuebingen Variant Classification Criteria Version 2. Collection method: clinical testing. Allele origin: germline. Affected: yes. Observed: 1 variant allele.
Comment: SMARCA4: PM2:Supporting, BP4, BP7

NM_003072.5(SMARCA4):c.1290G>C (p.Leu430=)

Gene: SMARCA4 (SWI/SNF related BAF chromatin remodeling complex subunit ATPase 4; plus strand). Cytogenetic location: 19p13.2.
Variant type: single nucleotide variant.
Coding change: c.1290G>C on transcript NM_003072.5 (MANE Select); coding-DNA position 1290, G replaced by C.
Protein change: p.Leu430=; no amino-acid change (leucine 430 retained).
Molecular consequence: synonymous variant. On other transcripts: non-coding transcript variant (1).
Genome position (GRCh38, 1-based): chr19:10,991,194, G>C. VCF-style: chr19-10991194-G-C. GRCh37 (hg19) VCF-style: chr19-11101870-G-C.
Other names: c.1290G>C, p.Leu430= (NM_001128844.3, NM_001128845.2, NM_001128846.2 and 6 more transcripts).
Identifiers: ClinVar variation 4085785 (VCV004085785.8).